The following is an entry in ClinVar:

NM_002449.5(MSX2):c.163G>C (p.Asp55His)

Gene: MSX2 (msh homeobox 2; plus strand). Cytogenetic location: 5q35.2.
Variant type: single nucleotide variant.
Coding change: c.163G>C on transcript NM_002449.5 (MANE Select); coding-DNA position 163, G replaced by C.
Protein change: p.Asp55His; replaces aspartic acid 55 with histidine.
Molecular consequence: missense variant.
Genome position (GRCh38, 1-based): chr5:174,724,822, G>C. VCF-style: chr5-174724822-G-C. GRCh37 (hg19) VCF-style: chr5-174151825-G-C.
Other names: c.163G>C, p.Asp55His (NM_001363626.2); short protein forms D55H.
Identifiers: ClinVar variation 2087289 (VCV002087289.4), dbSNP rs1050530108, ClinGen allele CA362229248.

ClinVar aggregate classification (germline): Uncertain significance (1 of 4 stars; one submission).

Conditions:
Cranium bifidum occultum. Also called: CATLIN MARKS; Enlarged Parietal Foramina; CRANIUM BIFIDUM, HEREDITARY. Identifiers: MedGen C1868598, HP:0004423.

Submission:

Labcorp Genetics (formerly Invitae), Labcorp
Classification: Uncertain significance for Cranium bifidum occultum. Last evaluated: 2022-04-01. Review status: criteria provided, single submitter. Criteria: Invitae Variant Classification Sherloc (09022015). Collection method: clinical testing. Allele origin: germline.
Comment: This variant is not present in population databases (gnomAD no frequency). In summary, the available evidence is currently insufficient to determine the role of this variant in disease. Therefore, it has been classified as a Variant of Uncertain Significance. Algorithms developed to predict the effect of missense changes on protein structure and function are either unavailable or do not agree on the potential impact of this missense change (SIFT: "Deleterious"; PolyPhen-2: "Possibly Damaging"; Align-GVGD: "Class C0"). This variant has not been reported in the literature in individuals affected with MSX2-related conditions. This sequence change replaces aspartic acid, which is acidic and polar, with histidine, which is basic and polar, at codon 55 of the MSX2 protein (p.Asp55His).